The following is an entry in ClinVar:

NM_025099.6(CTC1):c.2882T>C (p.Leu961Pro)

Gene: CTC1 (CST telomere replication complex component 1; minus strand). Cytogenetic location: 17p13.1.
Variant type: single nucleotide variant.
Coding change: c.2882T>C on transcript NM_025099.6 (MANE Select); coding-DNA position 2882, T replaced by C.
Protein change: p.Leu961Pro; replaces leucine 961 with proline.
Molecular consequence: missense variant. On other transcripts: non-coding transcript variant (1).
Genome position (GRCh38, 1-based): chr17:8,230,345, A>G on the plus strand (T>C on the coding strand, the complement: CTC1 is on the minus strand). VCF-style: chr17-8230345-A-G. GRCh37 (hg19) VCF-style: chr17-8133663-A-G.
Other names: c.2882T>C, p.Leu961Pro (NM_001411067.1); short protein forms L961P.
Identifiers: ClinVar variation 1715144 (VCV001715144.5), dbSNP rs2507880920, ClinGen allele CA397973954.

ClinVar aggregate classification (germline): Uncertain significance (1 of 4 stars; one submission).

Conditions:
Dyskeratosis congenita. Identifiers: Orphanet 1775, MedGen C0265965, MONDO:0015780.

Submission:

Labcorp Genetics (formerly Invitae), Labcorp
Classification: Uncertain significance for Dyskeratosis congenita. Last evaluated: 2022-08-05. Review status: criteria provided, single submitter. Criteria: Invitae Variant Classification Sherloc (09022015). Collection method: clinical testing. Allele origin: germline.
Comment: In summary, the available evidence is currently insufficient to determine the role of this variant in disease. Therefore, it has been classified as a Variant of Uncertain Significance. Algorithms developed to predict the effect of missense changes on protein structure and function are either unavailable or do not agree on the potential impact of this missense change (SIFT: "Deleterious"; PolyPhen-2: "Probably Damaging"; Align-GVGD: "Class C0"). This variant has not been reported in the literature in individuals affected with CTC1-related conditions. This variant is not present in population databases (gnomAD no frequency). This sequence change replaces leucine, which is neutral and non-polar, with proline, which is neutral and non-polar, at codon 961 of the CTC1 protein (p.Leu961Pro).